The following is an entry in ClinVar:

NM_033118.4(MYLK2):c.250G>A (p.Gly84Arg)

Gene: MYLK2 (myosin light chain kinase 2; plus strand). Cytogenetic location: 20q11.21.
Variant type: single nucleotide variant.
Coding change: c.250G>A on transcript NM_033118.4 (MANE Select); coding-DNA position 250, G replaced by A.
Protein change: p.Gly84Arg; replaces glycine 84 with arginine.
Molecular consequence: missense variant.
Genome position (GRCh38, 1-based): chr20:31,820,323, G>A. VCF-style: chr20-31820323-G-A. GRCh37 (hg19) VCF-style: chr20-30408126-G-A.
Other names: short protein forms G84R.
Identifiers: ClinVar variation 943373 (VCV000943373.7), dbSNP rs567882762, ClinGen allele CA9802873.

ClinVar aggregate classification (germline): Uncertain significance. Review status: criteria provided, multiple submitters, no conflicts (2 of 4 stars). 2 submissions from 2 submitters: Uncertain significance (2). Last evaluated 2025-06-22.

Conditions:
Hypertrophic cardiomyopathy 1 (CMH1). Also called: Familial hypertrophic cardiomyopathy 1; MYH7-Related Familial Hypertrophic Cardiomyopathy. Identifiers: MedGen C3495498, MONDO:0008647, OMIM 192600.

Allele frequency attached by ClinVar (database versions not stated): ExAC 0.00002; gnomAD exomes 0.00002; 1000 Genomes Project 30x 0.00016; 1000 Genomes Project 0.00020; TOPMed below 0.00001; gnomAD 0.00001.

Submissions (2):

Ambry Genetics
Classification: Uncertain significance. Last evaluated: 2025-06-22. Review status: criteria provided, single submitter. Criteria: Ambry Variant Classification Scheme 2023. Collection method: clinical testing. Allele origin: germline.

Labcorp Genetics (formerly Invitae), Labcorp
Classification: Uncertain significance for Hypertrophic cardiomyopathy 1. Last evaluated: 2021-09-01. Review status: criteria provided, single submitter. Criteria: Invitae Variant Classification Sherloc (09022015). Collection method: clinical testing. Allele origin: germline.
Comment: This sequence change replaces glycine with arginine at codon 84 of the MYLK2 protein (p.Gly84Arg). The glycine residue is moderately conserved and there is a moderate physicochemical difference between glycine and arginine. This variant is present in population databases (rs567882762, ExAC 0.009%). This variant has not been reported in the literature in individuals affected with MYLK2-related conditions. Algorithms developed to predict the effect of missense changes on protein structure and function output the following: SIFT: "Tolerated"; PolyPhen-2: "Benign"; Align-GVGD: "Class C0". The arginine amino acid residue is found in multiple mammalian species, which suggests that this missense change does not adversely affect protein function. In summary, the available evidence is currently insufficient to determine the role of this variant in disease. Therefore, it has been classified as a Variant of Uncertain Significance.